The following is an entry in ClinVar:

NM_015915.5(ATL1):c.182C>T (p.Ala61Val)

Gene: ATL1 (atlastin GTPase 1; plus strand). Cytogenetic location: 14q22.1.
Variant type: single nucleotide variant.
Coding change: c.182C>T on transcript NM_015915.5 (MANE Select); coding-DNA position 182, C replaced by T.
Protein change: p.Ala61Val; replaces alanine 61 with valine.
Molecular consequence: missense variant.
Genome position (GRCh38, 1-based): chr14:50,587,978, C>T. VCF-style: chr14-50587978-C-T. GRCh37 (hg19) VCF-style: chr14-51054696-C-T.
Other names: c.182C>T, p.Ala61Val (NM_001127713.1, NM_181598.4); short protein forms A61V.
Identifiers: ClinVar variation 1935952 (VCV001935952.6), dbSNP rs1207501733, ClinGen allele CA389665730.

ClinVar aggregate classification (germline): Uncertain significance. Review status: criteria provided, multiple submitters, no conflicts (2 of 4 stars). 2 submissions from 2 submitters: Uncertain significance (2). Last evaluated 2025-02-24.

Conditions:
Hereditary spastic paraplegia 3A (SPG3A). Also called: SPASTIC PARAPLEGIA 3, AUTOSOMAL DOMINANT; FAMILIAL SPASTIC PARAPLEGIA, AUTOSOMAL DOMINANT, 1; SPG3; STRUMPELL DISEASE; Spastic Paraplegia 3A; Spastic paraplegia 3A, autosomal dominant. Identifiers: Orphanet 100984, MedGen C2931355, MONDO:0008437, OMIM 182600.
Inborn genetic diseases. Identifiers: MedGen C0950123, MeSH D030342.

gnomAD v4.1: 2 of 1,614,142 alleles (0.00012%); no homozygotes.

Submissions (2):

Ambry Genetics
Classification: Uncertain significance for Inborn genetic diseases. Last evaluated: 2025-02-24. Review status: criteria provided, single submitter. Criteria: Ambry Variant Classification Scheme 2023. Collection method: clinical testing. Allele origin: germline.

Labcorp Genetics (formerly Invitae), Labcorp
Classification: Uncertain significance for Hereditary spastic paraplegia 3A. Last evaluated: 2022-02-20. Review status: criteria provided, single submitter. Criteria: Invitae Variant Classification Sherloc (09022015). Collection method: clinical testing. Allele origin: germline.
Comment: This variant is present in population databases (no rsID available, gnomAD 0.0009%). This sequence change replaces alanine, which is neutral and non-polar, with valine, which is neutral and non-polar, at codon 61 of the ATL1 protein (p.Ala61Val). This variant has not been reported in the literature in individuals affected with ATL1-related conditions. Advanced modeling of protein sequence and biophysical properties (such as structural, functional, and spatial information, amino acid conservation, physicochemical variation, residue mobility, and thermodynamic stability) performed at Invitae indicates that this missense variant is not expected to disrupt ATL1 protein function. In summary, the available evidence is currently insufficient to determine the role of this variant in disease. Therefore, it has been classified as a Variant of Uncertain Significance.